The following is an entry in ClinVar:

NM_004380.3(CREBBP):c.1509G>C (p.Gln503His)

Gene: CREBBP (CREB binding lysine acetyltransferase; minus strand). Cytogenetic location: 16p13.3.
Variant type: single nucleotide variant.
Coding change: c.1509G>C on transcript NM_004380.3 (MANE Select); coding-DNA position 1509, G replaced by C.
Protein change: p.Gln503His; replaces glutamine 503 with histidine.
Molecular consequence: missense variant.
Genome position (GRCh38, 1-based): chr16:3,782,748, C>G on the plus strand (G>C on the coding strand, the complement: CREBBP is on the minus strand). VCF-style: chr16-3782748-C-G. GRCh37 (hg19) VCF-style: chr16-3832749-C-G.
Other names: c.1395G>C, p.Gln465His (NM_001079846.1); short protein forms Q465H, Q503H.
Identifiers: ClinVar variation 5019222 (VCV005019222.2).

ClinVar aggregate classification (germline): Uncertain significance (1 of 4 stars; one submission).

Conditions:
Menke-Hennekam syndrome 1 (MKHK1). Identifiers: MedGen C5193034, MONDO:0020763, OMIM 618332.
Rubinstein-Taybi syndrome due to CREBBP mutations (RSTS1). Also called: RUBINSTEIN SYNDROME; Rubinstein-Taybi syndrome 1; RUBINSTEIN-TAYBI SYNDROME 1, INCOMPLETE; BROAD THUMBS AND GREAT TOES, CHARACTERISTIC FACIES, AND IMPAIRED INTELLECTUAL DEVELOPMENT; CREBBP-Related Rubinstein-Taybi Syndrome; BROAD THUMB-HALLUX SYNDROME. Identifiers: Orphanet 353277, Orphanet 783, MedGen C4551859, MONDO:0008393, OMIM 180849.

Submission:

Juno Genomics, Hangzhou Juno Genomics, Inc
Classification: Uncertain significance for Rubinstein-Taybi syndrome due to CREBBP mutations; Menke-Hennekam syndrome 1. Review status: criteria provided, single submitter. Criteria: ACMG Guidelines, 2015. Collection method: clinical testing. Allele origin: germline.
Comment: Absent from controls (or at extremely low frequency if recessive) in Genome Aggregation Database.;Missense variant in a gene that has a low rate of benign missense variation.